The following is an entry in ClinVar:

NM_001211.6(BUB1B):c.2792G>A (p.Arg931Gln)

Genes: BUB1B (BUB1 mitotic checkpoint serine/threonine kinase B; plus strand), BUB1B-PAK6 (BUB1B-PAK6 readthrough; plus strand). Cytogenetic location: 15q15.1.
Variant type: single nucleotide variant.
Coding change: c.2792G>A on transcript NM_001211.6 (MANE Select); coding-DNA position 2792, G replaced by A.
Protein change: p.Arg931Gln; replaces arginine 931 with glutamine.
Molecular consequence: missense variant. On other transcripts: 5 prime UTR variant (2).
Genome position (GRCh38, 1-based): chr15:40,217,609, G>A. VCF-style: chr15-40217609-G-A. GRCh37 (hg19) VCF-style: chr15-40509810-G-A.
Other names: c.-259G>A (NM_001128628.3); c.-176G>A (NM_001128629.3); short protein forms R931Q.
Identifiers: ClinVar variation 658305 (VCV000658305.17), dbSNP rs751509832, ClinGen allele CA7476126.

ClinVar aggregate classification (germline): Uncertain significance. Review status: criteria provided, multiple submitters, no conflicts (2 of 4 stars). 4 submissions from 4 submitters: Uncertain significance (4). Last evaluated 2025-08-21.

Conditions:
Inborn genetic diseases. Identifiers: MedGen C0950123, MeSH D030342.
Mosaic variegated aneuploidy syndrome 1 (MVA1). Also called: Warburton-Anyane-Yeboa syndrome. Identifiers: Orphanet 1052, MedGen C1850343, MONDO:0009759, OMIM 257300.
Premature chromatid separation trait (PCS). Also called: TOTAL PREMATURE CHROMATID SEPARATION TRAIT. Identifiers: MedGen C1864389, MONDO:0008304, OMIM 176430.
Colorectal cancer. Also called: Colorectal cancer, somatic; Malignant Colorectal Neoplasm. Identifiers: MedGen C0346629, MONDO:0005575, OMIM 114500.

Allele frequency attached by ClinVar (database versions not stated): gnomAD 0.00001; gnomAD exomes 0.00001; TOPMed 0.00001; ExAC 0.00002.
gnomAD v4.1: 23 of 1,613,944 alleles (0.0014%); highest among the groups gnomAD compares: African/African-American, 0.0027%; no homozygotes.

Submissions (4):

Ambry Genetics
Classification: Uncertain significance for Inborn genetic diseases. Last evaluated: 2025-08-21. Review status: criteria provided, single submitter. Criteria: Ambry Variant Classification Scheme 2023. Collection method: clinical testing. Allele origin: germline.
Comment: The p.R931Q variant (also known as c.2792G>A), located in coding exon 21 of the BUB1B gene, results from a G to A substitution at nucleotide position 2792. The arginine at codon 931 is replaced by glutamine, an amino acid with highly similar properties. This amino acid position is conserved. In addition, this alteration is predicted to be tolerated by in silico analysis. Since supporting evidence is limited at this time, the clinical significance of this alteration remains unclear.

Labcorp Genetics (formerly Invitae), Labcorp
Classification: Uncertain significance for Mosaic variegated aneuploidy syndrome 1. Last evaluated: 2025-06-14. Review status: criteria provided, single submitter. Criteria: Invitae Variant Classification Sherloc (09022015). Collection method: clinical testing. Allele origin: germline.
Comment: This sequence change replaces arginine, which is basic and polar, with glutamine, which is neutral and polar, at codon 931 of the BUB1B protein (p.Arg931Gln). This variant is present in population databases (rs751509832, gnomAD 0.002%). This variant has not been reported in the literature in individuals affected with BUB1B-related conditions. ClinVar contains an entry for this variant (Variation ID: 658305). An algorithm developed to predict the effect of missense changes on protein structure and function (PolyPhen-2) suggests that this variant is likely to be tolerated. In summary, the available evidence is currently insufficient to determine the role of this variant in disease. Therefore, it has been classified as a Variant of Uncertain Significance.

Fulgent Genetics
Classification: Uncertain significance for Colorectal cancer; Premature chromatid separation trait; Mosaic variegated aneuploidy syndrome 1. Last evaluated: 2024-04-16. Review status: criteria provided, single submitter. Criteria: ACMG Guidelines, 2015. Collection method: clinical testing. Allele origin: germline.

Institute for Clinical Genetics, University Hospital TU Dresden, University Hospital TU Dresden
Classification: Uncertain significance. Last evaluated: 2021-11-03. Review status: criteria provided, single submitter. Criteria: ACMG Guidelines, 2015. Collection method: clinical testing. Allele origin: germline.